The following is an entry in ClinVar:

NM_000138.5(FBN1):c.803_811del (p.Ser268_Glu270del)

Gene: FBN1 (fibrillin 1; minus strand). Cytogenetic location: 15q21.1.
Variant type: Deletion.
Coding change: c.803_811del on transcript NM_000138.5 (MANE Select); coding-DNA positions 803 to 811, 9 bases deleted (CTTTTGAGT; older notation c.803_811delCTTTTGAGT).
Protein change: p.Ser268_Glu270del.
Molecular consequence: inframe deletion.
Genome position (GRCh38, 1-based): chr15:48,534,131-48,534,139, ACTCAAAAG deleted on the plus strand (CTTTTGAGT on the coding strand, the reverse complement: FBN1 is on the minus strand); deleting any 9 consecutive bases within chr15:48,534,131-48,534,141 gives the same sequence; the c. name uses the placement nearest the transcript's 3' end. VCF-style (leftmost placement, unchanged base first): chr15-48534130-CACTCAAAAG-C. GRCh37 (hg19) VCF-style: chr15-48826327-CACTCAAAAG-C.
Other names: c.803_811delCTTTTGAGT (NM_000138.4).
Identifiers: ClinVar variation 200146 (VCV000200146.2), dbSNP rs794728294, ClinGen allele CA017523.
Genomic context (GRCh38, chr15:48,534,130, plus strand): 5'-GATTTCTTACCTTCACATTTTTGTGACACTTCATTAAGTTTGTGTCCAGCAGGGCATTTG[CACTCAAAAG>C]ACCCAACAGTATTAATGCAATTTCCTCCCTGACAGAGCCCGGGGATGGCCTGGCATTCAT-3'

ClinVar aggregate classification (germline): Uncertain significance (1 of 4 stars; one submission).

Submission:

GeneDx
Classification: Uncertain significance. Last evaluated: 2014-06-27. Review status: criteria provided, single submitter. Criteria: GeneDx Variant Classification (06012015). Collection method: clinical testing. Allele origin: germline. Affected: yes.
Comment: The c.803_811delCTTTTGAGT variant has not been published as a mutation or reported as a benign polymorphism to our knowledge. The c.803_811delCTTTTGAGT variant was not observed in approximately 6,500 individuals of European and African American ancestry in the NHLBI Exome Sequencing Project, indicating it is not a common benign variant in these populations. This variant results in an in-frame deletion of three amino acid residues in the FBN1 gene. Other in-frame deletion mutations in the FBN1 gene have been reported in association with Marfan. Although c.803_811delCTTTTGAGT is located in the EGF-like 4 calcium-binding domain, which is critical for disulfide bond formation, these residues are not completely conserved across species.Therefore, based on the currently available information, it is unclear whether this variant is a pathogenic mutation or a rare benign variant.